The following is an entry in ClinVar:

NM_000059.4(BRCA2):c.7543dup (p.Thr2515fs)

Gene: BRCA2 (BRCA2 DNA repair associated; plus strand). Cytogenetic location: 13q13.1.
Variant type: Duplication.
Coding change: c.7543dup on transcript NM_000059.4 (MANE Select); coding-DNA position 7543, one base duplicated (A; older notation c.7543dupA).
Protein change: p.Thr2515fs; shifts the reading frame from threonine 2515.
Molecular consequence: frameshift variant.
Genome position (GRCh38, 1-based): chr13:32,356,535, A duplicated; the last of 5 consecutive A bases (chr13:32,356,531-32,356,535); duplicating any one gives the same sequence. VCF-style (leftmost placement, unchanged base first): chr13-32356530-C-CA. GRCh37 (hg19) VCF-style: chr13-32930667-C-CA.
Other names: 7771insA; c.7543dupA (NM_000059.3); short protein forms T2515fs.
Identifiers: ClinVar variation 38101 (VCV000038101.23), dbSNP rs80359657, ClinGen allele CA025138.

ClinVar aggregate classification (germline): Pathogenic. Review status: reviewed by expert panel (3 of 4 stars). 9 submissions from 9 submitters: Pathogenic (1). 8 of the submissions do not count toward it. Last evaluated 2016-09-08.

Conditions:
Hereditary cancer-predisposing syndrome. Also called: Tumor predisposition; Neoplastic Syndromes, Hereditary; Hereditary neoplastic syndrome; Hereditary Cancer Syndrome. Identifiers: Orphanet 140162, MedGen C0027672, MeSH D009386, MONDO:0015356.
Hereditary breast ovarian cancer syndrome. Also called: Hereditary breast and ovarian cancer; Hereditary breast and ovarian cancer syndrome (HBOC); Hereditary breast and/or ovarian cancer syndrome; Breast and ovarian cancer; Hereditary breast and ovarian cancer syndrome; BRCA1- and BRCA2-Associated Hereditary Breast and Ovarian Cancer. Identifiers: Orphanet 145, MedGen C0677776, MeSH D061325, MONDO:0003582. Disease mechanism: loss of function.
Breast-ovarian cancer, familial, susceptibility to, 2 (BROVCA2). Also called: BRCA2 Hereditary Breast and Ovarian Cancer. Identifiers: Orphanet 145, MedGen C2675520, MONDO:0012933, OMIM 612555. Disease mechanism: loss of function.
Familial cancer of breast. Also called: Hereditary breast cancer; BREAST CANCER, FAMILIAL; hereditary breast carcinoma. Identifiers: Orphanet 227535, MedGen C0346153, MONDO:0016419, OMIM 114480. Disease mechanism: loss of function.

Submissions (9):

Evidence-based Network for the Interpretation of Germline Mutant Alleles (ENIGMA)
Classification: Pathogenic for Breast-ovarian cancer, familial, susceptibility to, 2. Last evaluated: 2016-09-08. Review status: reviewed by expert panel. Criteria: ENIGMA BRCA1/2 Classification Criteria (2015). Collection method: curation. Allele origin: germline.
Comment: Variant allele predicted to encode a truncated non-functional protein.

Labcorp Genetics (formerly Invitae), Labcorp
Classification: Pathogenic for Hereditary breast ovarian cancer syndrome. Last evaluated: 2025-12-23. Review status: criteria provided, single submitter. Criteria: Invitae Variant Classification Sherloc (09022015). Collection method: clinical testing. Allele origin: germline. Not counted in ClinVar's aggregate classification.
Comment: This sequence change creates a premature translational stop signal (p.Thr2515Asnfs*24) in the BRCA2 gene. It is expected to result in an absent or disrupted protein product. Loss-of-function variants in BRCA2 are known to be pathogenic (PMID: 20104584). This variant is not present in population databases (gnomAD no frequency). This premature translational stop signal has been observed in individual(s) with breast cancer and prostate cancer (PMID: 12474142, 23569316, 27083775). This variant is also known as 7772insA Stop 2536, c.7538_7539insA, c.7771insA. ClinVar contains an entry for this variant (Variation ID: 38101). For these reasons, this variant has been classified as Pathogenic.

Ambry Genetics
Classification: Pathogenic for Hereditary cancer-predisposing syndrome. Last evaluated: 2025-04-09. Review status: criteria provided, single submitter. Criteria: Ambry Variant Classification Scheme 2023. Collection method: clinical testing. Allele origin: germline. Not counted in ClinVar's aggregate classification.
Comment: The c.7543dupA pathogenic mutation, located in coding exon 14 of the BRCA2 gene, results from a duplication of A at nucleotide position 7543, causing a translational frameshift with a predicted alternate stop codon (p.T2515Nfs*24). This variant has been detected in multiple individuals with a personal and/or family history of breast and/or ovarian cancer (Lalloo F et al. Eur. J. Cancer, 2006 May;42:1143-50; Kim H et al. Breast Cancer Res Treat, 2012 Aug;134:1315-26; Seifert BA et al. Clin Cancer Res, 2016 Aug;22:4087-4094; Dorling et al. N Engl J Med. 2021 02;384:428-439). This variant has also been detected in multiple individuals diagnosed with prostate cancer (Mitra A et al. Br J Cancer, 2008 Jan;98:502-7; Edwards SM et al. Br J Cancer, 2010 Sep;103:918-24; Castro E et al. J Clin Oncol, 2013 May;31:1748-57). This alteration was identified in a large, worldwide study of BRCA1/2 mutation positive families (Rebbeck TR et al. Hum Mutat, 2018 05;39:593-620). Of note, this alteration is also designated c.7538_7539insA, c.7543insA, 7771insA, or 7771dupA in published literature. In addition to the clinical data presented in the literature, this alteration is expected to result in loss of function by premature protein truncation or nonsense-mediated mRNA decay. As such, this alteration is interpreted as a disease-causing mutation.

Baylor Genetics
Classification: Pathogenic for Familial cancer of breast. Last evaluated: 2023-12-04. Review status: criteria provided, single submitter. Criteria: ACMG Guidelines, 2015. Collection method: clinical testing. Allele origin: unknown. Not counted in ClinVar's aggregate classification.

Women's Health and Genetics/Laboratory Corporation of America, LabCorp
Classification: Pathogenic for Hereditary breast ovarian cancer syndrome. Last evaluated: 2022-07-11. Review status: criteria provided, single submitter. Criteria: LabCorp Variant Classification Summary - May 2015. Collection method: clinical testing. Allele origin: germline. Not counted in ClinVar's aggregate classification.
Comment: Variant summary: BRCA2 c.7543dupA (p.Thr2515AsnfsX24) results in a premature termination codon, predicted to cause a truncation of the encoded protein or absence of the protein due to nonsense mediated decay, which are commonly known mechanisms for disease. The variant is also known as c.7771dupA. Truncations downstream of this position have been classified as pathogenic by our laboratory. The variant was absent in 251316 control chromosomes (gnomAD). c.7543dupA has been reported in the literature in multiple individuals affected with Hereditary Breast And/or Ovarian Cancer and prostate cancer (examples: Kim_2012, Castro_2013, Lalloo_2006, and Edwards_2003). These data indicate that the variant is very likely to be associated with disease. Four submitters including an expert panel (ENIGMA) have submitted clinical-significance assessments for this variant to ClinVar after 2014 and all classified the variant as pathogenic. Based on the evidence outlined above, the variant was classified as pathogenic.

Consortium of Investigators of Modifiers of BRCA1/2 (CIMBA), c/o University of Cambridge
Classification: Pathogenic for Breast-ovarian cancer, familial, susceptibility to, 2. Last evaluated: 2015-10-02. Review status: criteria provided, single submitter. Criteria: CIMBA Mutation Classification guidelines May 2016. Collection method: clinical testing. Allele origin: germline. Not counted in ClinVar's aggregate classification.

BRCAlab, Lund University
Classification: Pathogenic for Breast-ovarian cancer, familial, susceptibility to, 2. Last evaluated: 2020-03-02. Review status: no assertion criteria provided. Collection method: clinical testing. Allele origin: germline. Affected: yes. Not counted in ClinVar's aggregate classification.

Sharing Clinical Reports Project (SCRP)
Classification: Pathogenic for Breast-ovarian cancer, familial 2. Last evaluated: 2008-06-19. Review status: no assertion criteria provided. Collection method: clinical testing. Allele origin: germline. Not counted in ClinVar's aggregate classification.

Breast Cancer Information Core (BIC) (BRCA2)
Classification: Pathogenic for Breast-ovarian cancer, familial 2. Last evaluated: 2004-02-20. Review status: no assertion criteria provided. Collection method: clinical testing. Allele origin: germline. Affected: yes. Observed: 2 variant alleles. Not counted in ClinVar's aggregate classification.

Literature cited by the submitters: PubMed 20104584 (cited by Labcorp Genetics (formerly Invitae), Labcorp); PubMed 12474142 (cited by 3 submitters); PubMed 23569316 (cited by 3 submitters); PubMed 27083775 (cited by Labcorp Genetics (formerly Invitae), Labcorp and Ambry Genetics); PubMed 16644204 (cited by Ambry Genetics and Women's Health and Genetics/Laboratory Corporation of America, LabCorp); PubMed 18182994 (cited by Ambry Genetics); PubMed 20736950 (cited by Ambry Genetics and Women's Health and Genetics/Laboratory Corporation of America, LabCorp); PubMed 22798144 (cited by Ambry Genetics and Women's Health and Genetics/Laboratory Corporation of America, LabCorp); PubMed 29446198 (cited by Ambry Genetics); PubMed 33471991 (cited by Ambry Genetics); PubMed 20002770 (cited by Women's Health and Genetics/Laboratory Corporation of America, LabCorp); PubMed 20043088 (cited by Women's Health and Genetics/Laboratory Corporation of America, LabCorp).